The following is an entry in ClinVar:

Conditions:
Breast-ovarian cancer, familial, susceptibility to, 1 (BROVCA1). Also called: BRCA1 Hereditary Breast and Ovarian Cancer; OVARIAN CANCER, SUSCEPTIBILITY TO. Identifiers: Orphanet 145, MedGen C2676676, MONDO:0011450, OMIM 604370. Disease mechanism: loss of function.

Submission:

Brotman Baty Institute, University of Washington
No classification provided (evidence only). Condition: Breast-ovarian cancer, familial 1. Review status: no classification provided. Collection method: in vitro. Allele origin: not applicable. Functional consequence: functionally_normal.
ClinVar note: "not provided" was previously submitted as the classification for the variant. However, the classification appeared to be based only on an observation of functional data so it was converted to no classification on 2025-07-30.

NM_007294.4(BRCA1):c.5194-6T>A

Gene: BRCA1 (BRCA1 DNA repair associated; minus strand). Cytogenetic location: 17q21.31.
Variant type: single nucleotide variant.
Coding change: c.5194-6T>A on transcript NM_007294.4 (MANE Select); 6 bases into the intron before coding-DNA position 5194, T replaced by A.
Molecular consequence: intron variant.
Genome position (GRCh38, 1-based): chr17:43,057,141, A>T on the plus strand (T>A on the coding strand, the complement: BRCA1 is on the minus strand). VCF-style: chr17-43057141-A-T. GRCh37 (hg19) VCF-style: chr17-41209158-A-T.
Other names: c.1741-6T>A (NM_001408458.1, NM_001408461.1, NM_001408464.1 and 7 more transcripts); c.4303-6T>A (NM_001407967.1); c.4813-6T>A (NM_001407959.1); c.4927-6T>A (NM_001407931.1, NM_001407932.1, NM_001407928.1 and 4 more transcripts); c.5050-6T>A (NM_001407747.1, NM_001407745.1, NM_001407737.1 and 21 more transcripts); c.4810-6T>A (NM_001407962.1, NM_001407960.1); c.1381-6T>A (NM_001408512.1); c.1504-6T>A (NM_001408510.1); and 72 more.
Identifiers: ClinVar variation 868163 (VCV000868163.3), dbSNP rs201152151, ClinGen allele CA916081192.
Genomic context (GRCh38, chr17:43,057,141, plus strand): 5'-TTGGACCTTGGTGGTTTCTTCCATTGACCACATCTCCTCTGACTTCAAAATCATGCTGAA[A>T]GAAACCAAACACAACCCATCAGGATAAGAGAAAGAGAAGCTTCCTTCAATGGAAGTGGAG-3'